The following is an entry in ClinVar:

NM_001367624.2(ZNF469):c.11628G>T (p.Glu3876Asp)

Gene: ZNF469 (zinc finger protein 469; plus strand). Cytogenetic location: 16q24.2.
Variant type: single nucleotide variant.
Coding change: c.11628G>T on transcript NM_001367624.2 (MANE Select); coding-DNA position 11628, G replaced by T.
Protein change: p.Glu3876Asp; replaces glutamic acid 3876 with aspartic acid.
Molecular consequence: missense variant.
Genome position (GRCh38, 1-based): chr16:88,439,098, G>T. VCF-style: chr16-88439098-G-T. GRCh37 (hg19) VCF-style: chr16-88505506-G-T.
Other names: NM_001127464.1:c.11544G>T; short protein forms E3876D.
Identifiers: ClinVar variation 1734805 (VCV001734805.3), dbSNP rs1215224306, ClinGen allele CA397130748.
Genomic context (GRCh38, chr16:88,439,098, plus strand): 5'-CGTGCTCCCGACCAAGCCCAAGCCCAACAGCCAGAACAAACCCAGGCCGCCACCATCAGA[G>T]CAGCGGAAGGCAGAGCCGGGCCACACACAGAGGAAGGACAGACTGGGCAAGGCCTTCCCC-3'
Protein context (NP_001354553.1, residues 3866-3886): SQNKPRPPPS[Glu3876Asp]QRKAEPGHTQ

ClinVar aggregate classification (germline): Uncertain significance. Review status: criteria provided, multiple submitters, no conflicts (2 of 4 stars). 2 submissions from 2 submitters: Uncertain significance (2). Last evaluated 2026-06-08.

Conditions:
Cardiovascular phenotype. Identifiers: MedGen CN230736.

Allele frequency attached by ClinVar (database versions not stated): TOPMed 0.00001.
gnomAD v4.1: 16 of 1,550,974 alleles (0.001%); highest among the groups gnomAD compares: Non-Finnish European, 0.0014%; no homozygotes.

Submissions (2):

Women's Health and Genetics/Laboratory Corporation of America, LabCorp
Classification: Uncertain significance. Last evaluated: 2026-06-08. Review status: criteria provided, single submitter. Criteria: LabCorp Variant Classification Summary - May 2015. Collection method: clinical testing. Allele origin: germline.

Ambry Genetics
Classification: Uncertain significance for Cardiovascular phenotype. Last evaluated: 2021-06-22. Review status: criteria provided, single submitter. Criteria: Ambry Variant Classification Scheme 2023. Collection method: clinical testing. Allele origin: germline.
Comment: The p.E3848D variant (also known as c.11544G>T), located in coding exon 2 of the ZNF469 gene, results from a G to T substitution at nucleotide position 11544. The glutamic acid at codon 3848 is replaced by aspartic acid, an amino acid with highly similar properties. This amino acid position is conserved. In addition, this alteration is predicted to be tolerated by in silico analysis. Since supporting evidence is limited at this time, the clinical significance of this alteration remains unclear.